The following is an entry in ClinVar:

NM_001943.5(DSG2):c.145C>T (p.Arg49Cys)

Gene: DSG2 (desmoglein 2; plus strand). Cytogenetic location: 18q12.1.
Variant type: single nucleotide variant.
Coding change: c.145C>T on transcript NM_001943.5 (MANE Select); coding-DNA position 145, C replaced by T.
Protein change: p.Arg49Cys; replaces arginine 49 with cysteine.
Molecular consequence: missense variant.
Genome position (GRCh38, 1-based): chr18:31,519,866, C>T. VCF-style: chr18-31519866-C-T. GRCh37 (hg19) VCF-style: chr18-29099829-C-T.
Other names: c.145C>T (LRG_397t1); short protein forms R49C.
Identifiers: ClinVar variation 450040 (VCV000450040.21), dbSNP rs762526848, ClinGen allele CA042522.

ClinVar aggregate classification (germline): Conflicting classifications of pathogenicity. Review status: criteria provided, conflicting classifications (1 of 4 stars). 7 submissions from 7 submitters: Likely pathogenic (2); Uncertain significance (3). 2 of the submissions do not count toward it. Last evaluated 2026-07-31.

Conditions:
Cardiovascular phenotype. Identifiers: MedGen CN230736.
Arrhythmogenic right ventricular cardiomyopathy (ARVD). Also called: Arrhythmogenic cardiomyopathy; Arrhythmogenic Right Ventricular Cardiomyopathy (ARVC); Cardiomyopathy, ARVC; Arrhythmogenic right ventricular dysplasia. Identifiers: Orphanet 247, MedGen C0349788, MeSH D019571, MONDO:0016587. Disease mechanism: loss of function. Inheritance: Various modes of inheritance.
Cardiomyopathy (CMYO). Also called: Cardiomyopathies. Identifiers: Orphanet 167848, MedGen C0878544, MONDO:0004994, HP:0001638. Inheritance: Various modes of inheritance.
Arrhythmogenic right ventricular dysplasia 10. Also called: Arrhythmogenic Right Ventricular Dysplasia/Cardiomyopathy10; Arrhythmogenic right ventricular dysplasia/cardiomyopathy, type 10; ARRHYTHMOGENIC RIGHT VENTRICULAR DYSPLASIA, FAMILIAL, 10. Identifiers: MedGen C1857777, MONDO:0012434, OMIM 610193.

Allele frequency attached by ClinVar (database versions not stated): ExAC 0.00002; gnomAD exomes 0.00001.
gnomAD v4.1: 5 of 1,614,068 alleles (0.00031%); highest among the groups gnomAD compares: South Asian, 0.0011%; no homozygotes.

Submissions (7):

GeneDx
Classification: Likely pathogenic. Last evaluated: 2026-07-31. Review status: criteria provided, single submitter. Criteria: GeneDx Variant Classification Process June 2021. Collection method: clinical testing. Allele origin: germline.
Comment: Identified in patients with ARVC referred for genetic testing at GeneDx and in published literature (PMID: 27532257); Not observed at significant frequency in large population cohorts (gnomAD); In silico analysis supports that this missense variant has a deleterious effect on protein structure/function; This variant is associated with the following publications: (PMID: 31402444, 16773573, 27532257)

Color Diagnostics, LLC DBA Color Health
Classification: Likely pathogenic for Cardiomyopathy. Last evaluated: 2024-11-13. Review status: criteria provided, single submitter. Criteria: ACMG Guidelines, 2015. Collection method: clinical testing. Allele origin: germline.
Comment: This missense variant replaces arginine with cysteine at codon 49 in the propeptide sequence domain of the DSG2 protein. Computational prediction suggests that this variant may have deleterious impact on protein structure and function. This variant changes an arginine residue at the highly conserved propeptide cleavage motif. Missense variants affecting this motif have been shown to prevent N-terminal propeptide cleavage and alter the adhesive properties of the DSG2 protein (PMID: 16773573, 23071725, 23381804, 31845994). Although functional studies have not been reported for this variant, it is expected to disrupt DSG2 protein function. This variant has been reported in three individuals affected with arrhythmogenic right ventricular cardiomyopathy (PMID: 27532257; ClinVar SCV001953892.1, SCV000618572.2). This variant has been identified in 2/249476 chromosomes in the general population by the Genome Aggregation Database (gnomAD). A different missense variant occurring at the same codon, p.Arg49His, is known to cause arrhythmogenic right ventricular cardiomyopathy (ClinVar variation ID 16810), indicating that arginine at this position is important for DSG2 protein function. This variant has been identified in 2/249476 chromosomes in the general population by the Genome Aggregation Database (gnomAD). Based on the available evidence, this variant is classified as Likely Pathogenic.

Ambry Genetics
Classification: Uncertain significance for Cardiovascular phenotype. Last evaluated: 2024-10-30. Review status: criteria provided, single submitter. Criteria: Ambry Variant Classification Scheme 2023. Collection method: clinical testing. Allele origin: germline.
Comment: The p.R49C variant (also known as c.145C>T), located in coding exon 3 of the DSG2 gene, results from a C to T substitution at nucleotide position 145. The arginine at codon 49 is replaced by cysteine, an amino acid with highly dissimilar properties. This variant has been reported in a large study of pathogenicity of Mendelian variants in cardiomyopathy patients, but clinical details are limited (Walsh R et al. Genet Med, 2017 Feb;19:192-203). Another variant at the same codon, p.R49H (c.146G>A), has been described in association with arrhythmogenic right ventricular cardiomyopathy (ARVC). This amino acid position is highly conserved in available vertebrate species. In addition, this alteration is predicted to be deleterious by in silico analysis. Based on the available evidence, the clinical significance of this variant remains unclear.

All of Us Research Program, National Institutes of Health
Classification: Uncertain significance for Arrhythmogenic right ventricular cardiomyopathy. Last evaluated: 2023-06-28. Review status: criteria provided, single submitter. Criteria: ACMG Guidelines, 2015. Collection method: clinical testing. Allele origin: germline. Inheritance: Autosomal dominant inheritance. Observed: 1 variant allele, 1 heterozygote.
Comment: This missense variant replaces arginine with cysteine at codon 49 of the DSG2 protein. Computational prediction suggests that this variant may have deleterious impact on protein structure and function (internally defined REVEL score threshold >= 0.7, PMID: 27666373). To our knowledge, functional studies have not been reported for this variant. This variant has been reported in an individual affected with arrhythmogenic right ventricular cardiomyopathy (PMID: 27532257). This variant has been identified in 2/249476 chromosomes in the general population by the Genome Aggregation Database (gnomAD). A different missense variant occurring at the same codon, p.Arg49His, is known to cause arrhythmogenic right ventricular cardiomyopathy (Clinvar variation ID 16810), indicating that arginine at this position is important for DSG2 protein function. The available evidence is insufficient to determine the role of this variant in disease conclusively. Therefore, this variant is classified as a Variant of Uncertain Significance.

This study involves interpretation of variants in research participants for the purpose of population health screening. Participant phenotype was not available at the time of variant classification. Additional details can be found in publication PMID: 35346344, PMCID: PMC8962531

Labcorp Genetics (formerly Invitae), Labcorp
Classification: Uncertain significance for Arrhythmogenic right ventricular dysplasia 10. Last evaluated: 2022-01-21. Review status: criteria provided, single submitter. Criteria: Invitae Variant Classification Sherloc (09022015). Collection method: clinical testing. Allele origin: germline.
Comment: This variant is present in population databases (rs762526848, gnomAD 0.003%). This sequence change replaces arginine, which is basic and polar, with cysteine, which is neutral and slightly polar, at codon 49 of the DSG2 protein (p.Arg49Cys). This missense change has been observed in individual(s) with clinical features of DSG2-related conditions (PMID: 27532257). ClinVar contains an entry for this variant (Variation ID: 450040). Algorithms developed to predict the effect of missense changes on protein structure and function (SIFT, PolyPhen-2, Align-GVGD) all suggest that this variant is likely to be disruptive. Algorithms developed to predict the effect of sequence changes on RNA splicing suggest that this variant may create or strengthen a splice site. In summary, the available evidence is currently insufficient to determine the role of this variant in disease. Therefore, it has been classified as a Variant of Uncertain Significance. This variant disrupts the p.Arg49 amino acid residue in DSG2. Other variant(s) that disrupt this residue have been determined to be pathogenic (PMID: 19151369, 19863551, 20400443). This suggests that this residue is clinically significant, and that variants that disrupt this residue are likely to be disease-causing.

Genome Diagnostics Laboratory, University Medical Center Utrecht
Classification: Likely pathogenic. Review status: no assertion criteria provided. Collection method: clinical testing. Allele origin: germline. Affected: yes. Study: VKGL Data-share Consensus. Not counted in ClinVar's aggregate classification.

Joint Genome Diagnostic Labs from Nijmegen and Maastricht, Radboudumc and MUMC+
Classification: Likely pathogenic. Review status: no assertion criteria provided. Collection method: clinical testing. Allele origin: germline. Affected: yes. Study: VKGL Data-share Consensus. Not counted in ClinVar's aggregate classification.

Literature cited by the submitters: PubMed 16773573 (cited by Color Diagnostics, LLC DBA Color Health); PubMed 23071725 (cited by Color Diagnostics, LLC DBA Color Health); PubMed 23381804 (cited by Color Diagnostics, LLC DBA Color Health); PubMed 27532257 (cited by 4 submitters); PubMed 31845994 (cited by Color Diagnostics, LLC DBA Color Health); PubMed 19151369 (cited by Labcorp Genetics (formerly Invitae), Labcorp); PubMed 19863551 (cited by Labcorp Genetics (formerly Invitae), Labcorp); PubMed 20400443 (cited by Labcorp Genetics (formerly Invitae), Labcorp).